The following is an entry in ClinVar:

NM_001256545.2(MEGF10):c.1058G>A (p.Arg353His)

Gene: MEGF10 (multiple EGF like domains 10; plus strand). Cytogenetic location: 5q23.2.
Variant type: single nucleotide variant.
Coding change: c.1058G>A on transcript NM_001256545.2 (MANE Select); coding-DNA position 1058, G replaced by A.
Protein change: p.Arg353His; replaces arginine 353 with histidine.
Molecular consequence: missense variant.
Genome position (GRCh38, 1-based): chr5:127,410,529, G>A. VCF-style: chr5-127410529-G-A. GRCh37 (hg19) VCF-style: chr5-126746221-G-A.
Other names: c.1058G>A, p.Arg353His (NM_001308119.2, NM_001308121.2, NM_032446.3); short protein forms R353H.
Identifiers: ClinVar variation 350645 (VCV000350645.13), dbSNP rs146940427, ClinGen allele CA3391472.

ClinVar aggregate classification (germline): Uncertain significance. Review status: criteria provided, multiple submitters, no conflicts (2 of 4 stars). 4 submissions from 4 submitters: Uncertain significance (4). Last evaluated 2025-06-18.

Conditions:
MEGF10-related myopathy (CMYO10A). Also called: Congenital myopathy 10A, severe variant. Identifiers: Orphanet 439212, MedGen C3280679, MONDO:0013731, OMIM 614399.
Inborn genetic diseases. Identifiers: MedGen C0950123, MeSH D030342.

Allele frequency attached by ClinVar (database versions not stated): gnomAD 0.00002; TOPMed 0.00003; gnomAD exomes 0.00004 and 0.00006; ExAC 0.00007; ESP Exome Variant Server 0.00015.
gnomAD v4.1: 62 of 1,613,698 alleles (0.0038%); highest among the groups gnomAD compares: South Asian, 0.0077%; no homozygotes.

Submissions (4):

GeneDx
Classification: Uncertain significance. Last evaluated: 2025-06-18. Review status: criteria provided, single submitter. Criteria: GeneDx Variant Classification Process June 2021. Collection method: clinical testing. Allele origin: germline. Affected: yes.
Comment: Not observed at significant frequency in large population cohorts (gnomAD); In silico analysis supports that this missense variant has a deleterious effect on protein structure/function; Has not been previously published as pathogenic or benign to our knowledge

Ambry Genetics
Classification: Uncertain significance for Inborn genetic diseases. Last evaluated: 2023-06-21. Review status: criteria provided, single submitter. Criteria: Ambry Variant Classification Scheme 2023. Collection method: clinical testing. Allele origin: germline.

Labcorp Genetics (formerly Invitae), Labcorp
Classification: Uncertain significance for MEGF10-related myopathy. Last evaluated: 2022-07-03. Review status: criteria provided, single submitter. Criteria: Invitae Variant Classification Sherloc (09022015). Collection method: clinical testing. Allele origin: germline.
Comment: This sequence change replaces arginine, which is basic and polar, with histidine, which is basic and polar, at codon 353 of the MEGF10 protein (p.Arg353His). This variant is present in population databases (rs146940427, gnomAD 0.008%). This variant has not been reported in the literature in individuals affected with MEGF10-related conditions. ClinVar contains an entry for this variant (Variation ID: 350645). Algorithms developed to predict the effect of missense changes on protein structure and function (SIFT, PolyPhen-2, Align-GVGD) all suggest that this variant is likely to be disruptive. In summary, the available evidence is currently insufficient to determine the role of this variant in disease. Therefore, it has been classified as a Variant of Uncertain Significance.

Illumina Laboratory Services, Illumina
Classification: Uncertain significance for MEGF10-related myopathy. Last evaluated: 2018-01-13. Review status: criteria provided, single submitter. Criteria: ICSL Variant Classification Criteria 13 December 2019. Collection method: clinical testing. Allele origin: germline.